The following is an entry in ClinVar:

NM_004577.4(PSPH):c.94G>A (p.Asp32Asn)

Gene: PSPH (phosphoserine phosphatase; minus strand). Cytogenetic location: 7p11.2.
Variant type: single nucleotide variant.
Coding change: c.94G>A on transcript NM_004577.4 (MANE Select); coding-DNA position 94, G replaced by A.
Protein change: p.Asp32Asn; replaces aspartic acid 32 with asparagine.
Molecular consequence: missense variant.
Genome position (GRCh38, 1-based): chr7:56,021,119, C>T on the plus strand (G>A on the coding strand, the complement: PSPH is on the minus strand). VCF-style: chr7-56021119-C-T. GRCh37 (hg19) VCF-style: chr7-56088812-C-T.
Other names: c.94G>A, p.Asp32Asn (NM_001370503.1, NM_001370504.1, NM_001370505.1 and 17 more transcripts); short protein forms D32N.
Identifiers: ClinVar variation 13623 (VCV000013623.5), dbSNP rs104894035, ClinGen allele CA123295.
Genomic context (GRCh38, chr7:56,021,119, plus strand): 5'-AATGCTATCCCTACATTTCTGACACCGCGTCCTCAACGCCACAGATTTTGGCTAGCTCAT[C>T]GATTCCTTCTTCTCTGATGACCGTGCTGTCAACATCAAAACACACAGCATCTGCTGAGTA-3'
Protein context (NP_004568.2, residues 22-42): DSTVIREEGI[Asp32Asn]ELAKICGVED

ClinVar aggregate classification (germline): Uncertain significance. Review status: criteria provided, multiple submitters, no conflicts (2 of 4 stars). 5 submissions from 5 submitters: Uncertain significance (4). 1 of the submissions does not count toward it. Last evaluated 2025-09-10.

Conditions:
Deficiency of phosphoserine phosphatase (PSPHD). Also called: PSPH deficiency; Phosphoserine phosphatase deficiency. Identifiers: Orphanet 79350, MedGen C1291463, MONDO:0013531, OMIM 614023.

Allele frequency attached by ClinVar (database versions not stated): 1000 Genomes Project 30x 0.00234; ExAC 0.00016; gnomAD 0.00048; gnomAD exomes 0.00002; 1000 Genomes Project 0.00200.

Submissions (5):

Genomic Medicine Center of Excellence, King Faisal Specialist Hospital and Research Centre
Classification: Uncertain significance for Deficiency of phosphoserine phosphatase. Last evaluated: 2025-09-10. Review status: criteria provided, single submitter. Criteria: ACMG Guidelines, 2015. Collection method: clinical testing. Allele origin: germline.

Department of Pathology and Laboratory Medicine, Sinai Health System
Classification: Uncertain significance for Deficiency of phosphoserine phosphatase. Last evaluated: 2021-12-10. Review status: criteria provided, single submitter. Criteria: ACMG Guidelines, 2015. Collection method: research. Allele origin: germline.

Baylor Genetics
Classification: Uncertain significance for Deficiency of phosphoserine phosphatase. Last evaluated: 2018-05-11. Review status: criteria provided, single submitter. Criteria: ACMG Guidelines, 2015. Collection method: clinical testing. Allele origin: unknown. Affected: yes.
Comment: This variant was determined to be of uncertain significance according to ACMG Guidelines, 2015 [PMID:25741868].

Breakthrough Genomics
Classification: Uncertain significance. Review status: criteria provided, single submitter. Criteria: ACMG Guidelines, 2015. Collection method: not provided. Allele origin: germline. Inheritance: Autosomal recessive inheritance. Affected: yes.

OMIM
Classification: Pathogenic for PHOSPHOSERINE PHOSPHATASE DEFICIENCY. Last evaluated: 2004-02-01. Review status: no assertion criteria provided. Collection method: literature only. Allele origin: germline. Not counted in ClinVar's aggregate classification.

Literature cited by the submitters: PubMed 9222972 (cited by OMIM); PubMed 14673469 (cited by OMIM).